The following is an entry in ClinVar:

NM_002691.4(POLD1):c.3068-14C>T

Gene: POLD1 (DNA polymerase delta 1, catalytic subunit; plus strand). Cytogenetic location: 19q13.33.
Variant type: single nucleotide variant.
Coding change: c.3068-14C>T on transcript NM_002691.4 (MANE Select); 14 bases into the intron before coding-DNA position 3068, C replaced by T.
Molecular consequence: intron variant.
Genome position (GRCh38, 1-based): chr19:50,417,031, C>T. VCF-style: chr19-50417031-C-T. GRCh37 (hg19) VCF-style: chr19-50920288-C-T.
Other names: c.3068-14C>T (LRG_785t1, NM_002691.2, NM_001256849.1); c.3146-14C>T (LRG_785t2, NM_001308632.1).
Identifiers: ClinVar variation 371996 (VCV000371996.27), dbSNP rs3218758, ClinGen allele CA9596740.

ClinVar aggregate classification (germline): Conflicting classifications of pathogenicity. Review status: criteria provided, conflicting classifications (1 of 4 stars). 11 submissions from 11 submitters: Uncertain significance (2); Benign (3); Likely benign (4). 2 of the submissions do not count toward it. Last evaluated 2026-02-12.

Conditions:
Carcinoma of colon (CRC). Also called: Colon carcinoma; Colonic carcinoma. Identifiers: MedGen C0699790, MONDO:0002032.
Hereditary cancer-predisposing syndrome. Also called: Neoplastic Syndromes, Hereditary; Hereditary neoplastic syndrome; Hereditary Cancer Syndrome; Tumor predisposition. Identifiers: Orphanet 140162, MedGen C0027672, MeSH D009386, MONDO:0015356.
POLD1-related polyposis and colorectal cancer syndrome (CRCS10). Also called: Colorectal cancer, susceptibility to, 10; Colorectal cancer 10; COLORECTAL CANCER, SUSCEPTIBILITY TO, ON CHROMOSOME 19q. Identifiers: Orphanet 220460, MedGen C2675481, MONDO:0012953, OMIM 612591.

Allele frequency attached by ClinVar (database versions not stated): 1000 Genomes Project 30x 0.00016; 1000 Genomes Project 0.00020; ExAC 0.00037; gnomAD 0.00040 and 0.00041; TOPMed 0.00041; gnomAD exomes 0.00044 and 0.00063; ESP Exome Variant Server 0.00050.
gnomAD v4.1: 941 of 1,548,128 alleles (0.061%); highest among the groups gnomAD compares: Middle Eastern, 0.08%; no homozygotes.

Submissions (11):

Women's Health and Genetics/Laboratory Corporation of America, LabCorp
Classification: Benign. Last evaluated: 2026-02-12. Review status: criteria provided, single submitter. Criteria: LabCorp Variant Classification Summary - May 2015. Collection method: clinical testing. Allele origin: germline.
Comment: Variant summary: POLD1 c.3068-14C>T alters a nucleotide located at a position not widely known to affect splicing. Consensus agreement among computation tools predict no significant impact on normal splicing. However, these predictions have yet to be confirmed by functional studies. The variant allele was found at a frequency of 0.00044 in 153528 control chromosomes, predominantly at a frequency of 0.00088 within the Non-Finnish European subpopulation in the gnomAD database. The observed variant frequency within Non-Finnish European control individuals in the gnomAD database exceeds the estimated maximal expected allele frequency for disease-causing variants in POLD1. To our knowledge, no occurrence of c.3068-14C>T in individuals affected with POLD1-related conditions and no experimental evidence demonstrating its impact on protein function have been reported. ClinVar contains an entry for this variant (Variation ID: 371996). Based on the evidence outlined above, the variant was classified as benign.

Labcorp Genetics (formerly Invitae), Labcorp
Classification: Benign for POLD1-related polyposis and colorectal cancer syndrome. Last evaluated: 2026-02-04. Review status: criteria provided, single submitter. Criteria: Invitae Variant Classification Sherloc (09022015). Collection method: clinical testing. Allele origin: germline.

Center for Genomic Medicine, Rigshospitalet, Copenhagen University Hospital
Classification: Likely benign. Last evaluated: 2025-03-04. Review status: criteria provided, single submitter. Criteria: ACMG Guidelines, 2015. Collection method: clinical testing. Allele origin: germline.

KCCC/NGS Laboratory, Kuwait Cancer Control Center
Classification: Benign for POLD1-related polyposis and colorectal cancer syndrome. Last evaluated: 2025-02-01. Review status: criteria provided, single submitter. Criteria: ACMG Guidelines, 2015. Collection method: clinical testing. Allele origin: germline. Affected: no.

Blueprint Genetics
Classification: Likely benign. Last evaluated: 2024-11-26. Review status: criteria provided, single submitter. Criteria: ACMG Guidelines, 2015. Collection method: clinical testing. Allele origin: germline.

Institute for Clinical Genetics, University Hospital TU Dresden, University Hospital TU Dresden
Classification: Uncertain significance. Last evaluated: 2021-11-03. Review status: criteria provided, single submitter. Criteria: ACMG Guidelines, 2015. Collection method: clinical testing. Allele origin: germline.

PreventionGenetics, part of Exact Sciences
Classification: Likely benign. Last evaluated: 2017-12-19. Review status: criteria provided, single submitter. Criteria: ACMG Guidelines, 2015. Collection method: clinical testing. Allele origin: germline.

GeneDx
Classification: Likely benign. Last evaluated: 2017-08-25. Review status: criteria provided, single submitter. Criteria: GeneDx Variant Classification (06012015). Collection method: clinical testing. Allele origin: germline. Affected: yes.
Comment: This variant is considered likely benign or benign based on one or more of the following criteria: it is a conservative change, it occurs at a poorly conserved position in the protein, it is predicted to be benign by multiple in silico algorithms, and/or has population frequency not consistent with disease.

Ambry Genetics
Classification: Uncertain significance for Hereditary cancer-predisposing syndrome. Last evaluated: 2015-10-03. Review status: criteria provided, single submitter. Criteria: Ambry Variant Classification Scheme 2023. Collection method: clinical testing. Allele origin: germline.
Comment: The c.3068-14C>T intronic alteration consists of a C to T substitution 14 nucleotides before coding exon 24 in the POLD1 gene. Based on insufficient or conflicting evidence, the clinical significance of this alteration remains unclear.

Counsyl
Classification: Likely benign for POLD1-related polyposis and colorectal cancer syndrome. Last evaluated: 2016-10-04. Review status: no assertion criteria provided. Collection method: clinical testing. Allele origin: unknown. Not counted in ClinVar's aggregate classification.

Department of Pathology and Laboratory Medicine, Sinai Health System
Classification: Likely benign for Carcinoma of colon. Review status: no assertion criteria provided. Collection method: clinical testing. Allele origin: unknown. Affected: yes. Observed: 1 variant allele. Study: The Canadian Open Genetics Repository (COGR). Not counted in ClinVar's aggregate classification.
Comment: The POLD1 c.3068-14C>T variant was not identified in the literature, nor was it identified in the COSMIC database. The variant was identified in dbSNP (ID: rs3218758) as "With Likely benign allele", ClinVar (classified as likely benign by Counsyl and GeneDx), and Clinvitae. The variant was identified in control databases in 76 of 177654 chromosomes at a frequency of 0.0004 (Genome Aggregation Database Feb 27, 2017). It was observed in the following populations: African in 1 of 16356 chromosomes (freq: 0.0001), Other in 1 of 4758 chromosomes (freq: 0.0002), Latino in 7 of 24694 chromosomes (freq: 0.0003), European in 60 of 71074 chromosomes (freq: 0.001), Finnish in 4 of 17792 chromosomes (freq: 0.0002), and South Asian in 3 of 22678 chromosomes (freq: 0.0001); but not observed in the Ashkenazi Jewish, or East Asian populations. The variant occurs outside of the splicing consensus sequence and in silico or computational prediction software programs (SpliceSiteFinder, MaxEntScan, NNSPLICE, GeneSplicer, HumanSpliceFinder) do not predict a difference in splicing. In summary, based on the above information the clinical significance of this variant cannot be determined with certainty at this time although we would lean towards a more benign role for this variant. This variant is classified as likely benign.